The following is an entry in ClinVar:

NM_005993.5(TBCD):c.2009del

Gene: TBCD (tubulin folding cofactor D). Cytogenetic location: 17q25.3.
Variant type: Deletion.
Coding change: c.2009del on transcript NM_005993.5 (MANE Select); coding-DNA position 2009, one base deleted.
Molecular consequence: splice acceptor variant.
Genome position: GRCh38 VCF-style: chr17-82911756-AG-A. GRCh37 (hg19) VCF-style: chr17-80869632-AG-A.
Other names: NC_000017.10:g.80869636del.
Identifiers: ClinVar variation 452576 (VCV000452576.5), dbSNP rs1555649346, ClinGen allele CA658656734.
Genomic context (GRCh38, chr17:82,911,756, plus strand): 5'-ATTTCATGGTGTTTTATACGTCAAGAGGTTCTTCTAATTCTGATGTTTTCATTCCTTTTC[AG>A]GGGTCTGGGAGGACAGCTCATGAGACAAGCAGGTAAGTCTGAAGGCCTTTGCAGCCCTCT-3'

ClinVar aggregate classification (germline): Pathogenic (1 of 4 stars; one submission).

Submissions (2):

GeneDx
Classification: Pathogenic. Last evaluated: 2017-10-06. Review status: criteria provided, single submitter. Criteria: GeneDx Variant Classification (06012015). Collection method: clinical testing. Allele origin: germline. Affected: yes.
Comment: The c.2009delG variant in the TBCD gene has not been reported previously as a pathogenic variant nor as a benign variant, to our knowledge. The c.2009delG variant causes a frameshift starting with codon Glycine 670, changes this amino acid to a Valine residue, and creates a premature Stop codon at position 7 of the new reading frame, denoted p.Gly670ValfsX7. This variant is predicted to cause loss of normal protein function either through protein truncation or nonsense-mediated mRNA decay. The c.2009delG variant is not observed in large population cohorts (Lek et al., 2016). We interpret c.2009delG as a pathogenic variant.

Dr. Peter K. Rogan Lab, Western University
No classification provided (evidence only). Condition: Hepatocellular carcinoma. Review status: no classification provided. Collection method: in vitro. Allele origin: not applicable. Functional consequence: cryptic splice site. Not counted in ClinVar's aggregate classification.